The following is an entry in ClinVar:

ClinVar aggregate classification (germline): Pathogenic (1 of 4 stars; one submission).

Submission:

Labcorp Genetics (formerly Invitae), Labcorp
Classification: Pathogenic. Last evaluated: 2022-10-20. Review status: criteria provided, single submitter. Criteria: Invitae Variant Classification Sherloc (09022015). Collection method: clinical testing. Allele origin: germline.
Comment: For these reasons, this variant has been classified as Pathogenic. This variant has not been reported in the literature in individuals affected with LOXHD1-related conditions. This variant is not present in population databases (gnomAD no frequency). This sequence change creates a premature translational stop signal (p.Lys601Argfs*17) in the LOXHD1 gene. It is expected to result in an absent or disrupted protein product. Loss-of-function variants in LOXHD1 are known to be pathogenic (PMID: 19732867, 21465660, 25792669).

Literature cited by the submitters: PubMed 19732867; PubMed 21465660; PubMed 25792669.

NM_001384474.1(LOXHD1):c.1802del (p.Lys601fs)

Gene: LOXHD1 (lipoxygenase homology PLAT domains 1; minus strand). Cytogenetic location: 18q21.1.
Variant type: Deletion.
Coding change: c.1802del on transcript NM_001384474.1 (MANE Select); coding-DNA position 1802, one base deleted (A; older notation c.1802delA).
Protein change: p.Lys601fs; shifts the reading frame from lysine 601.
Molecular consequence: frameshift variant.
Genome position (GRCh38, 1-based): chr18:46,579,637, T deleted on the plus strand (A on the coding strand, the reverse complement: LOXHD1 is on the minus strand); the first of 4 consecutive T bases (chr18:46,579,637-46,579,640); deleting any one gives the same sequence. VCF-style (leftmost placement, unchanged base first): chr18-46579636-CT-C. GRCh37 (hg19) VCF-style: chr18-44159599-CT-C.
Other names: c.1802del, p.Lys601fs (NM_144612.7); short protein forms K601fs.
Identifiers: ClinVar variation 2036324 (VCV002036324.4), dbSNP rs2511888943, ClinGen allele CA503816914.